The following is an entry in ClinVar:

ClinVar aggregate classification (germline): Pathogenic. Review status: criteria provided, multiple submitters, no conflicts (2 of 4 stars). 3 submissions from 3 submitters: Pathogenic (2). 1 of the submissions does not count toward it. Last evaluated 2023-07-17.

Conditions:
Osteogenesis imperfecta type I (OI1). Also called: OI, TYPE I; OSTEOGENESIS IMPERFECTA TARDA; OSTEOGENESIS IMPERFECTA WITH BLUE SCLERAE; Osteogenesis imperfecta type 1; Lobstein's Disease; Lobstein disease. Identifiers: Orphanet 216796, Orphanet 666, MedGen C0023931, MONDO:0008146, OMIM 166200. Disease mechanism: loss of function.
COL1A1-related disorder. Also called: COL1A1- related disease; COL1A1-related condition.

Submissions (3):

Victorian Clinical Genetics Services, Murdoch Childrens Research Institute
Classification: Pathogenic for Osteogenesis imperfecta type I. Last evaluated: 2023-07-17. Review status: criteria provided, single submitter. Criteria: ACMG Guidelines, 2015. Collection method: clinical testing. Allele origin: germline. Inheritance: Autosomal dominant inheritance. Affected: yes.
Comment: Based on the classification scheme VCGS_Germline_v1.3.4, this variant is classified as Pathogenic. Following criteria are met: 0103 - Dominant negative and loss of function are known mechanisms of disease in this gene and are associated with osteogenesis imperfect types (OI), types I-IV, and other conditions (OMIM). Variants resulting in a truncated protein are known to have a loss of function effect on protein and are usually associate with a milder phenotype. Missense variants affecting the G-X-Y of a triple helix motif have a dominant negative effect and are commonly associated with a more severe phenotype (PMID:27509835, PMID:12362985). (I) 0107 - This gene is associated with autosomal dominant disease. (I) 0115 - Variants in this gene are known to have variable expressivity. Interfamilial variability is apparent among individuals with the same OI type and intrafamilial variability is apparent among individuals with the same causative variant (GeneReviews). (I) 0210 - Splice site variant proven to affect splicing of the transcript with a known effect on protein sequence. RNA studies demonstrated the presence of an aberrant mRNA, which underwent nonsense-mediated decay (NMD). However, the exact sequence was not shown (personal communciation). (SP) 0251 - This variant is heterozygous. (I) 0301 - Variant is absent from gnomAD (both v2 and v3). (SP) 0505 - Abnormal splicing is predicted by in silico tools and affected nucleotide is highly conserved. (SP) 0702 - Other splice site variants comparable to the one identified in this case have strong previous evidence for pathogenicity. At least three other variants at this splice site have been reported in multiple OI individuals (PMIDs: 22206639, 29595812). (SP) 0807 - This variant has no previous evidence of pathogenicity. (I) 0905 - No published segregation evidence has been identified for this variant. (I) 1007 - No published functional evidence has been identified for this variant. (I) 1208 - Inheritance information for this variant is not currently available in this individual. (I) Legend: (SP) - Supporting pathogenic, (I) - Information, (SB) - Supporting benign

Labcorp Genetics (formerly Invitae), Labcorp
Classification: Pathogenic for Osteogenesis imperfecta type I. Last evaluated: 2022-05-19. Review status: criteria provided, single submitter. Criteria: Invitae Variant Classification Sherloc (09022015). Collection method: clinical testing. Allele origin: germline.
Comment: This variant is not present in population databases (gnomAD no frequency). This sequence change affects a donor splice site in intron 30 of the COL1A1 gene. It is expected to disrupt RNA splicing. Variants that disrupt the donor or acceptor splice site typically lead to a loss of protein function (PMID: 16199547), and loss-of-function variants in COL1A1 are known to be pathogenic (PMID: 7942841, 9295084, 9443882). Disruption of this splice site has been observed in individual(s) with autosomal dominant osteogenesis imperfecta (PMID: 15241796). For these reasons, this variant has been classified as Pathogenic. Algorithms developed to predict the effect of sequence changes on RNA splicing suggest that this variant may disrupt the consensus splice site.

PreventionGenetics, part of Exact Sciences
Classification: Pathogenic for COL1A1-related condition. Last evaluated: 2023-11-02. Review status: no assertion criteria provided. Collection method: clinical testing. Allele origin: germline. Not counted in ClinVar's aggregate classification.
Comment: The COL1A1 c.2028+2T>A variant is predicted to disrupt the GT donor site and interfere with normal splicing. This variant has not been reported in the literature or in a large population database, indicating this variant is rare. Variants that disrupt the consensus splice donor site in COL1A1 are expected to be pathogenic. In addition, similar intronic variants (for examples: c.2028+1G>A, c.2028+2T>G) were reported to be pathogenic (Hartikka et al. 2004. PubMed ID: 15241796; Swinnen et al. 2011. PubMed ID: 22206639). This variant is interpreted as pathogenic.

Literature cited by the submitters: PubMed 12362985 (cited by Victorian Clinical Genetics Services, Murdoch Childrens Research Institute); PubMed 22206639 (cited by Victorian Clinical Genetics Services, Murdoch Childrens Research Institute); PubMed 27509835 (cited by Victorian Clinical Genetics Services, Murdoch Childrens Research Institute); PubMed 29807018 (cited by Victorian Clinical Genetics Services, Murdoch Childrens Research Institute); PubMed 16199547 (cited by Labcorp Genetics (formerly Invitae), Labcorp); PubMed 7942841 (cited by Labcorp Genetics (formerly Invitae), Labcorp); PubMed 9295084 (cited by Labcorp Genetics (formerly Invitae), Labcorp); PubMed 9443882 (cited by Labcorp Genetics (formerly Invitae), Labcorp); PubMed 15241796 (cited by Labcorp Genetics (formerly Invitae), Labcorp).

NM_000088.4(COL1A1):c.2028+2T>A

Gene: COL1A1 (collagen type I alpha 1 chain; minus strand). Cytogenetic location: 17q21.33.
Variant type: single nucleotide variant.
Coding change: c.2028+2T>A on transcript NM_000088.4 (MANE Select); the canonical splice donor site of the intron after coding-DNA position 2028, T replaced by A.
Molecular consequence: splice donor variant.
Genome position (GRCh38, 1-based): chr17:50,191,978, A>T on the plus strand (T>A on the coding strand, the complement: COL1A1 is on the minus strand). VCF-style: chr17-50191978-A-T. GRCh37 (hg19) VCF-style: chr17-48269339-A-T.
Other names: c.2028+2T>A (NM_000088.3).
Identifiers: ClinVar variation 1996325 (VCV001996325.7), dbSNP rs72651635, ClinGen allele CA400212166.
Genomic context (GRCh38, chr17:50,191,978, plus strand): 5'-GCTCTGGAGATAGGGCCAAGTACGACGCACCTTGACGGATGCAGCGAGAGAGGCCTACTT[A>T]CTCTTGCTCCAGAGGGGCCAGGGGCGCCAAGGTCTCCAGGAACACCCTGAGGGGGAGGGA-3'